The following is an entry in ClinVar:

ClinVar aggregate classification (germline): Likely benign (1 of 4 stars; one submission).

Conditions:
PEX11B-related disorder. Also called: PEX11B-related condition.

gnomAD v4.1: 4 of 1,592,426 alleles (0.00025%); highest among the groups gnomAD compares: Non-Finnish European, 0.00034%; no homozygotes.

Submission:

PreventionGenetics, part of Exact Sciences
Classification: Likely benign for PEX11B-related condition. Last evaluated: 2025-06-04. Review status: criteria provided, single submitter. Criteria: ACMG Guidelines, 2015. Collection method: clinical testing. Allele origin: germline.
Comment: This variant is classified as likely benign based on ACMG/AMP sequence variant interpretation guidelines (Richards et al. 2015 PMID: 25741868, with internal and published modifications).

NM_003846.3(PEX11B):c.57-9C>G

Gene: PEX11B (peroxisomal biogenesis factor 11 beta; minus strand). Cytogenetic location: 1q21.1.
Variant type: single nucleotide variant.
Coding change: c.57-9C>G on transcript NM_003846.3 (MANE Select); 9 bases into the intron before coding-DNA position 57, C replaced by G.
Molecular consequence: intron variant.
Genome position (GRCh38, 1-based): chr1:145,917,825, G>C on the plus strand (C>G on the coding strand, the complement: PEX11B is on the minus strand). VCF-style: chr1-145917825-G-C. GRCh37 (hg19) VCF-style: chr1-145517264-C-G.
Other names: c.15-9C>G (NM_001184795.1).
Identifiers: ClinVar variation 4982826 (VCV004982826.1).